The following is an entry in ClinVar:

NM_001197104.2(KMT2A):c.7022C>G (p.Thr2341Arg)

Gene: KMT2A (lysine methyltransferase 2A; plus strand). Cytogenetic location: 11q23.3.
Variant type: single nucleotide variant.
Coding change: c.7022C>G on transcript NM_001197104.2 (MANE Select); coding-DNA position 7022, C replaced by G.
Protein change: p.Thr2341Arg; replaces threonine 2341 with arginine.
Molecular consequence: missense variant.
Genome position (GRCh38, 1-based): chr11:118,502,914, C>G. VCF-style: chr11-118502914-C-G. GRCh37 (hg19) VCF-style: chr11-118373629-C-G.
Other names: c.7112C>G, p.Thr2371Arg (NM_001412597.1); c.7013C>G, p.Thr2338Arg (NM_005933.4); short protein forms T2371R, T2338R, T2341R.
Identifiers: ClinVar variation 2808758 (VCV002808758.3), dbSNP rs2496993560, ClinGen allele CA382804017.

ClinVar aggregate classification (germline): Uncertain significance (1 of 4 stars; one submission).

Submission:

Labcorp Genetics (formerly Invitae), Labcorp
Classification: Uncertain significance. Last evaluated: 2022-10-19. Review status: criteria provided, single submitter. Criteria: Invitae Variant Classification Sherloc (09022015). Collection method: clinical testing. Allele origin: germline.
Comment: This variant is not present in population databases (gnomAD no frequency). This sequence change replaces threonine, which is neutral and polar, with arginine, which is basic and polar, at codon 2341 of the KMT2A protein (p.Thr2341Arg). This variant has not been reported in the literature in individuals affected with KMT2A-related conditions. In summary, the available evidence is currently insufficient to determine the role of this variant in disease. Therefore, it has been classified as a Variant of Uncertain Significance. Advanced modeling of protein sequence and biophysical properties (such as structural, functional, and spatial information, amino acid conservation, physicochemical variation, residue mobility, and thermodynamic stability) performed at Invitae indicates that this missense variant is not expected to disrupt KMT2A protein function.